The following is an entry in ClinVar:

NM_206933.4(USH2A):c.4933G>T (p.Gly1645Ter)

Genes: USH2A (usherin; minus strand), USH2A-AS2 (USH2A antisense RNA 2; plus strand). Cytogenetic location: 1q41.
Variant type: single nucleotide variant.
Coding change: c.4933G>T on transcript NM_206933.4 (MANE Select); coding-DNA position 4933, G replaced by T.
Protein change: p.Gly1645Ter; replaces glycine 1645 with a stop codon.
Molecular consequence: nonsense. On other transcripts: non-coding transcript variant (2).
Genome position (GRCh38, 1-based): chr1:216,086,773, C>A on the plus strand (G>T on the coding strand, the complement: USH2A is on the minus strand). VCF-style: chr1-216086773-C-A. GRCh37 (hg19) VCF-style: chr1-216260115-C-A.
Other names: short protein forms G1645*.
Identifiers: ClinVar variation 863680 (VCV000863680.50), dbSNP rs2032147505, ClinGen allele CA344859830.

ClinVar aggregate classification (germline): Pathogenic. Review status: criteria provided, multiple submitters, no conflicts (2 of 4 stars). 4 submissions from 4 submitters: Pathogenic (4). Last evaluated 2023-11-04.

Conditions:
USH2A-related disorder. Also called: USH2A-related condition; USH2A-related disorders. Identifiers: MedGen CN239332.
Usher syndrome type 2A. Also called: RETINAL DISEASE IN USHER SYNDROME TYPE IIA, MODIFIER OF; USHER SYNDROME, TYPE IIA. Identifiers: Orphanet 231178, Orphanet 886, MedGen C1848634, MONDO:0010169, OMIM 276901.

Submissions (4):

Genome-Nilou Lab
Classification: Pathogenic for Usher syndrome type 2A. Last evaluated: 2023-11-04. Review status: criteria provided, single submitter. Criteria: ACMG Guidelines, 2015. Collection method: clinical testing. Allele origin: germline. Affected: no.

Blueprint Genetics
Classification: Pathogenic for USH2A-related disorders. Last evaluated: 2023-10-16. Review status: criteria provided, single submitter. Criteria: ACMG Guidelines, 2015. Collection method: clinical testing. Allele origin: germline. Affected: yes. Observed: 5 variant alleles.

Labcorp Genetics (formerly Invitae), Labcorp
Classification: Pathogenic. Last evaluated: 2023-10-15. Review status: criteria provided, single submitter. Criteria: Invitae Variant Classification Sherloc (09022015). Collection method: clinical testing. Allele origin: germline.
Comment: This sequence change creates a premature translational stop signal (p.Gly1645*) in the USH2A gene. It is expected to result in an absent or disrupted protein product. Loss-of-function variants in USH2A are known to be pathogenic (PMID: 10729113, 10909849, 20507924, 25649381). This variant is not present in population databases (gnomAD no frequency). This premature translational stop signal has been observed in individual(s) with Usher syndrome (PMID: 26969326, 27460420). ClinVar contains an entry for this variant (Variation ID: 863680). For these reasons, this variant has been classified as Pathogenic.

CeGaT Center for Human Genetics Tuebingen
Classification: Pathogenic. Last evaluated: 2017-07-01. Review status: criteria provided, single submitter. Criteria: CeGaT Center For Human Genetics Tuebingen Variant Classification Criteria Version 2. Collection method: clinical testing. Allele origin: germline. Affected: yes. Observed: 1 variant allele.

Literature cited by the submitters: PubMed 10729113 (cited by Labcorp Genetics (formerly Invitae), Labcorp); PubMed 10909849 (cited by Labcorp Genetics (formerly Invitae), Labcorp); PubMed 20507924 (cited by Labcorp Genetics (formerly Invitae), Labcorp); PubMed 25649381 (cited by Labcorp Genetics (formerly Invitae), Labcorp); PubMed 26969326 (cited by Labcorp Genetics (formerly Invitae), Labcorp); PubMed 27460420 (cited by Labcorp Genetics (formerly Invitae), Labcorp).